The following is an entry in ClinVar:

NM_017534.6(MYH2):c.4981A>C (p.Ile1661Leu)

Genes: MYH2 (myosin heavy chain 2; minus strand), MYHAS (myosin heavy chain gene cluster antisense RNA; plus strand), LOC126862500 (BRD4-independent group 4 enhancer GRCh37_chr17:10427829-10429028; plus strand). Cytogenetic location: 17p13.1.
Variant type: single nucleotide variant.
Coding change: c.4981A>C on transcript NM_017534.6 (MANE Select); coding-DNA position 4981, A replaced by C.
Protein change: p.Ile1661Leu; replaces isoleucine 1661 with leucine.
Molecular consequence: missense variant.
Genome position (GRCh38, 1-based): chr17:10,524,660, T>G on the plus strand (A>C on the coding strand, the complement: MYH2 is on the minus strand). VCF-style: chr17-10524660-T-G. GRCh37 (hg19) VCF-style: chr17-10427977-T-G.
Other names: c.4981A>C, p.Ile1661Leu (NM_001100112.2); c.4981A>C (NM_017534.5); short protein forms I1661L.
Identifiers: ClinVar variation 2040351 (VCV002040351.5), dbSNP rs201263691, ClinGen allele CA8390516.

ClinVar aggregate classification (germline): Conflicting classifications of pathogenicity. Review status: criteria provided, conflicting classifications (1 of 4 stars). 2 submissions from 2 submitters: Uncertain significance (1); Likely benign (1). Last evaluated 2025-07-30.

Conditions:
Inborn genetic diseases. Identifiers: MedGen C0950123, MeSH D030342.
Myopathy, proximal, and ophthalmoplegia (CMYO6). Also called: CONGENITAL MYOPATHY 6 WITH OPHTHALMOPLEGIA; INCLUSION BODY MYOPATHY 3, AUTOSOMAL DOMINANT; MYOPATHY WITH CONGENITAL JOINT CONTRACTURES, OPHTHALMOPLEGIA, AND RIMMED VACUOLES. Identifiers: Orphanet 363677, Orphanet 79091, MedGen C1854106, MONDO:0011577, OMIM 605637.

Allele frequency attached by ClinVar (database versions not stated): gnomAD exomes 0.00002; TOPMed 0.00003; gnomAD 0.00005; ExAC 0.00007; ESP Exome Variant Server 0.00008; 1000 Genomes Project 30x 0.00016; 1000 Genomes Project 0.00020.
gnomAD v4.1: 33 of 1,614,214 alleles (0.002%); highest among the groups gnomAD compares: African/African-American, 0.0067%; no homozygotes.

Submissions (2):

Labcorp Genetics (formerly Invitae), Labcorp
Classification: Uncertain significance for Myopathy, proximal, and ophthalmoplegia. Last evaluated: 2025-07-30. Review status: criteria provided, single submitter. Criteria: Invitae Variant Classification Sherloc (09022015). Collection method: clinical testing. Allele origin: germline.
Comment: This sequence change replaces isoleucine, which is neutral and non-polar, with leucine, which is neutral and non-polar, at codon 1661 of the MYH2 protein (p.Ile1661Leu). This variant is present in population databases (rs201263691, gnomAD 0.01%). This variant has not been reported in the literature in individuals affected with MYH2-related conditions. ClinVar contains an entry for this variant (Variation ID: 2040351). Invitae Evidence Modeling of protein sequence and biophysical properties (such as structural, functional, and spatial information, amino acid conservation, physicochemical variation, residue mobility, and thermodynamic stability) indicates that this missense variant is not expected to disrupt MYH2 protein function with a negative predictive value of 80%. In summary, the available evidence is currently insufficient to determine the role of this variant in disease. Therefore, it has been classified as a Variant of Uncertain Significance.

Ambry Genetics
Classification: Likely benign for Inborn genetic diseases. Last evaluated: 2023-10-10. Review status: criteria provided, single submitter. Criteria: Ambry Variant Classification Scheme 2023. Collection method: clinical testing. Allele origin: germline.